The following is an entry in ClinVar:

NM_001372044.2(SHANK3):c.3646C>G (p.Pro1216Ala)

Gene: SHANK3 (SH3 and multiple ankyrin repeat domains 3; plus strand). Cytogenetic location: 22q13.33.
Variant type: single nucleotide variant.
Coding change: c.3646C>G on transcript NM_001372044.2 (MANE Select); coding-DNA position 3646, C replaced by G.
Protein change: p.Pro1216Ala; replaces proline 1216 with alanine.
Molecular consequence: missense variant.
Genome position (GRCh38, 1-based): chr22:50,721,254, C>G. VCF-style: chr22-50721254-C-G. GRCh37 (hg19) VCF-style: chr22-51159682-C-G.
Other names: c.3421C>G, p.Pro1141Ala (NM_033517.1); short protein forms P1141A, P1216A.
Identifiers: ClinVar variation 2446341 (VCV002446341.1), dbSNP rs2083284692, ClinGen allele CA515261573.

ClinVar aggregate classification (germline): Uncertain significance (1 of 4 stars; one submission).

Allele frequency attached by ClinVar (database versions not stated): TOPMed below 0.00001.

Submission:

GeneDx
Classification: Uncertain significance. Last evaluated: 2022-09-27. Review status: criteria provided, single submitter. Criteria: GeneDx Variant Classification Process June 2021. Collection method: clinical testing. Allele origin: germline. Affected: yes.
Comment: Not observed at significant frequency in large population cohorts (gnomAD); In silico analysis supports that this missense variant does not alter protein structure/function; Has not been previously published as pathogenic or benign to our knowledge